The following is an entry in ClinVar:

NM_000388.4(CASR):c.3104C>A (p.Pro1035His)

Gene: CASR (calcium sensing receptor; plus strand). Cytogenetic location: 3q21.1.
Variant type: single nucleotide variant.
Coding change: c.3104C>A on transcript NM_000388.4 (MANE Select); coding-DNA position 3104, C replaced by A.
Protein change: p.Pro1035His; replaces proline 1035 with histidine.
Molecular consequence: missense variant.
Genome position (GRCh38, 1-based): chr3:122,285,058, C>A. VCF-style: chr3-122285058-C-A. GRCh37 (hg19) VCF-style: chr3-122003905-C-A.
Other names: c.3134C>A, p.Pro1045His (NM_001178065.2); short protein forms P1035H, P1045H.
Identifiers: ClinVar variation 2926215 (VCV002926215.4), dbSNP rs1418162973, ClinGen allele CA354161444.

ClinVar aggregate classification (germline): Uncertain significance. Review status: criteria provided, multiple submitters, no conflicts (2 of 4 stars). 2 submissions from 2 submitters: Uncertain significance (2). Last evaluated 2023-05-16.

Conditions:
Familial hypocalciuric hypercalcemia (FHH). Also called: Familial benign hypercalcemia. Identifiers: Orphanet 405, MedGen C1809471, MONDO:0018458.
Autosomal dominant hypocalcemia 1 (HYPOC1). Also called: HYPOCALCEMIA, FAMILIAL. Identifiers: MedGen C3715128, MONDO:0011013, OMIM 601198.

gnomAD v4.1: 1 of 1,614,226 alleles (0.000062%); no homozygotes.

Submissions (2):

Labcorp Genetics (formerly Invitae), Labcorp
Classification: Uncertain significance for Familial hypocalciuric hypercalcemia; Autosomal dominant hypocalcemia 1. Last evaluated: 2023-05-16. Review status: criteria provided, single submitter. Criteria: Invitae Variant Classification Sherloc (09022015). Collection method: clinical testing. Allele origin: germline.
Comment: This sequence change replaces proline, which is neutral and non-polar, with histidine, which is basic and polar, at codon 1035 of the CASR protein (p.Pro1035His). This variant is not present in population databases (gnomAD no frequency). This variant has not been reported in the literature in individuals affected with CASR-related conditions. An algorithm developed to predict the effect of missense changes on protein structure and function (PolyPhen-2) suggests that this variant is likely to be tolerated. In summary, the available evidence is currently insufficient to determine the role of this variant in disease. Therefore, it has been classified as a Variant of Uncertain Significance.

Blueprint Genetics
Classification: Uncertain significance. Last evaluated: 2020-07-28. Review status: criteria provided, single submitter. Criteria: ACMG Guidelines, 2015. Collection method: clinical testing. Allele origin: germline.